The following is an entry in ClinVar:

ClinVar aggregate classification (germline): Uncertain significance (1 of 4 stars; one submission).

Conditions:
Progressive myoclonic epilepsy type 9. Identifiers: Orphanet 457265, MedGen C4225289, MONDO:0014685, OMIM 616540.
Lipodystrophy, partial, acquired, susceptibility to (APLD). Also called: APLD, SUSCEPTIBILITY TO. Identifiers: MedGen C3887501, MONDO:0100476, OMIM 608709.

Allele frequency attached by ClinVar (database versions not stated): gnomAD exomes 0.00001.
gnomAD v4.1: 3 of 1,614,144 alleles (0.00019%); highest among the groups gnomAD compares: Non-Finnish European, 0.000085%; no homozygotes.

Submission:

Labcorp Genetics (formerly Invitae), Labcorp
Classification: Uncertain significance for Progressive myoclonic epilepsy type 9; Lipodystrophy, partial, acquired, susceptibility to. Last evaluated: 2025-10-19. Review status: criteria provided, single submitter. Criteria: Invitae Variant Classification Sherloc (09022015). Collection method: clinical testing. Allele origin: germline.
Comment: This sequence change replaces methionine, which is neutral and non-polar, with valine, which is neutral and non-polar, at codon 574 of the LMNB2 protein (p.Met574Val). The frequency data for this variant in the population databases is considered unreliable, as metrics indicate poor data quality at this position in the gnomAD database. This variant has not been reported in the literature in individuals affected with LMNB2-related conditions. ClinVar contains an entry for this variant (Variation ID: 842363). Invitae Evidence Modeling of protein sequence and biophysical properties (such as structural, functional, and spatial information, amino acid conservation, physicochemical variation, residue mobility, and thermodynamic stability) indicates that this missense variant is not expected to disrupt LMNB2 protein function with a negative predictive value of 80%. In summary, the available evidence is currently insufficient to determine the role of this variant in disease. Therefore, it has been classified as a Variant of Uncertain Significance.

NM_032737.4(LMNB2):c.1720A>G (p.Met574Val)

Gene: LMNB2 (lamin B2; minus strand). Cytogenetic location: 19p13.3.
Variant type: single nucleotide variant.
Coding change: c.1720A>G on transcript NM_032737.4 (MANE Select); coding-DNA position 1720, A replaced by G.
Protein change: p.Met574Val; replaces methionine 574 with valine.
Molecular consequence: missense variant.
Genome position (GRCh38, 1-based): chr19:2,431,649, T>C on the plus strand (A>G on the coding strand, the complement: LMNB2 is on the minus strand). VCF-style: chr19-2431649-T-C. GRCh37 (hg19) VCF-style: chr19-2431647-T-C.
Other names: short protein forms M574V.
Identifiers: ClinVar variation 842363 (VCV000842363.9), dbSNP rs1209932416, ClinGen allele CA403249062.